The following is an entry in ClinVar:

ClinVar aggregate classification (germline): Pathogenic (1 of 4 stars; one submission).

Conditions:
Hereditary nonpolyposis colorectal neoplasms. Identifiers: MedGen C0009405, MeSH D003123.

Submission:

Labcorp Genetics (formerly Invitae), Labcorp
Classification: Pathogenic for Hereditary nonpolyposis colorectal neoplasms. Last evaluated: 2023-12-01. Review status: criteria provided, single submitter. Criteria: Invitae Variant Classification Sherloc (09022015). Collection method: clinical testing. Allele origin: unknown.
Comment: This variant is a gross deletion of the genomic region encompassing exon(s) 3-7 of the PMS2 gene. This deletion is out-of-frame, and is expected to create a premature termination codon and result in an absent or disrupted protein product. Loss-of-function variants in PMS2 are known to be pathogenic (PMID: 21376568, 24362816). A similar copy number variant has been observed in individual(s) with Lynch syndrome, colon cancer or constitutional mismatch repair deficiency syndrome (PMID: 18415027, 21376568, 25512458). For these reasons, this variant has been classified as Pathogenic.

Literature cited by the submitters: PubMed 21376568; PubMed 24362816; PubMed 18415027; PubMed 25512458.

NC_000007.13:g.(?_6036947)_(6043709_?)del

Gene: PMS2 (PMS1 homolog 2, mismatch repair system component; minus strand). Cytogenetic location: 7p22.1.
Variant type: Deletion.
Identifiers: ClinVar variation 3245654 (VCV003245654.1).